The following is an entry in ClinVar:

ClinVar aggregate classification (germline): Pathogenic (1 of 4 stars; one submission).

Conditions:
Medium-chain acyl-coenzyme A dehydrogenase deficiency (ACADMD). Also called: MCADH DEFICIENCY; Medium chain acyl-CoA dehydrogenase deficiency; MCAD Deficiency; ACADM DEFICIENCY; MCADD; CARNITINE DEFICIENCY SECONDARY TO MEDIUM-CHAIN ACYL-CoA DEHYDROGENASE DEFICIENCY. Identifiers: Orphanet 42, MedGen C0220710, MONDO:0008721, OMIM 201450.

Submission:

Labcorp Genetics (formerly Invitae), Labcorp
Classification: Pathogenic for Medium-chain acyl-coenzyme A dehydrogenase deficiency. Last evaluated: 2021-10-03. Review status: criteria provided, single submitter. Criteria: Invitae Variant Classification Sherloc (09022015). Collection method: clinical testing. Allele origin: germline.
Comment: This sequence change creates a premature translational stop signal (p.Tyr337*) in the ACADM gene. It is expected to result in an absent or disrupted protein product. Loss-of-function variants in ACADM are known to be pathogenic (PMID: 16121256, 20434380). This variant is not present in population databases (ExAC no frequency). This variant has not been reported in the literature in individuals affected with ACADM-related conditions. For these reasons, this variant has been classified as Pathogenic.

Literature cited by the submitters: PubMed 16121256; PubMed 20434380.

NM_000016.6(ACADM):c.1011C>A (p.Tyr337Ter)

Gene: ACADM (acyl-CoA dehydrogenase medium chain; plus strand). Cytogenetic location: 1p31.1.
Variant type: single nucleotide variant.
Coding change: c.1011C>A on transcript NM_000016.6 (MANE Select); coding-DNA position 1011, C replaced by A.
Protein change: p.Tyr337Ter; replaces tyrosine 337 with a stop codon.
Molecular consequence: nonsense.
Genome position (GRCh38, 1-based): chr1:75,761,187, C>A. VCF-style: chr1-75761187-C-A. GRCh37 (hg19) VCF-style: chr1-76226872-C-A.
Other names: c.1023C>A, p.Tyr341Ter (NM_001127328.3); c.903C>A, p.Tyr301Ter (NM_001286042.2); c.1110C>A, p.Tyr370Ter (NM_001286043.2); c.444C>A, p.Tyr148Ter (NM_001286044.2); short protein forms Y337*, Y301*, Y148*, Y341*, Y370*.
Identifiers: ClinVar variation 1453773 (VCV001453773.6), dbSNP rs2100452915, ClinGen allele CA340817982.